The following is an entry in ClinVar:

NM_004136.4(IREB2):c.465G>T (p.Lys155Asn)

Gene: IREB2 (iron responsive element binding protein 2; plus strand). Cytogenetic location: 15q25.1.
Variant type: single nucleotide variant.
Coding change: c.465G>T on transcript NM_004136.4 (MANE Select); coding-DNA position 465, G replaced by T.
Protein change: p.Lys155Asn; replaces lysine 155 with asparagine.
Molecular consequence: missense variant. On other transcripts: 5 prime UTR variant (1).
Genome position (GRCh38, 1-based): chr15:78,466,325, G>T. VCF-style: chr15-78466325-G-T. GRCh37 (hg19) VCF-style: chr15-78758667-G-T.
Other names: c.-216G>T (NM_001320941.2); c.294G>T, p.Lys98Asn (NM_001320942.2, NM_001354994.2); c.465G>T, p.Lys155Asn (NM_001320943.2); short protein forms K98N, K155N.
Identifiers: ClinVar variation 1964174 (VCV001964174.2), dbSNP rs1383081151, ClinGen allele CA393566652.

ClinVar aggregate classification (germline): Uncertain significance (1 of 4 stars; one submission).

Allele frequency attached by ClinVar (database versions not stated): gnomAD exomes below 0.00001; gnomAD 0.00001; TOPMed 0.00001.

Submission:

Labcorp Genetics (formerly Invitae), Labcorp
Classification: Uncertain significance. Last evaluated: 2022-08-19. Review status: criteria provided, single submitter. Criteria: Invitae Variant Classification Sherloc (09022015). Collection method: clinical testing. Allele origin: germline.
Comment: This sequence change replaces lysine, which is basic and polar, with asparagine, which is neutral and polar, at codon 155 of the IREB2 protein (p.Lys155Asn). This variant is present in population databases (no rsID available, gnomAD no frequency). This variant has not been reported in the literature in individuals affected with IREB2-related conditions. Algorithms developed to predict the effect of missense changes on protein structure and function are either unavailable or do not agree on the potential impact of this missense change (SIFT: "Not Available"; PolyPhen-2: "Benign"; Align-GVGD: "Not Available"). In summary, the available evidence is currently insufficient to determine the role of this variant in disease. Therefore, it has been classified as a Variant of Uncertain Significance.